The following is an entry in ClinVar:

NM_005045.4(RELN):c.2846A>C (p.Lys949Thr)

Gene: RELN (reelin; minus strand). Cytogenetic location: 7q22.1.
Variant type: single nucleotide variant.
Coding change: c.2846A>C on transcript NM_005045.4 (MANE Select); coding-DNA position 2846, A replaced by C.
Protein change: p.Lys949Thr; replaces lysine 949 with threonine.
Molecular consequence: missense variant.
Genome position (GRCh38, 1-based): chr7:103,611,660, T>G on the plus strand (A>C on the coding strand, the complement: RELN is on the minus strand). VCF-style: chr7-103611660-T-G. GRCh37 (hg19) VCF-style: chr7-103252107-T-G.
Other names: c.2846A>C, p.Lys949Thr (NM_173054.3); short protein forms K949T.
Identifiers: ClinVar variation 1317134 (VCV001317134.5), dbSNP rs1237046940, ClinGen allele CA368754271.
Genomic context (GRCh38, chr7:103,611,660, plus strand): 5'-ACTAGACTTACTTCTTGGACGAGGTGCCAGGTAAGGCCGTGGTTGGTTGAGTACTCCAGC[T>G]TCACCTGGTTGTCCATGTGTGGGGTGTATTTCTGGCCACATCCCATCACCAAACTGAACT-3'
Protein context (NP_005036.2, residues 939-959): KYTPHMDNQV[Lys949Thr]LEYSTNHGLT

ClinVar aggregate classification (germline): Uncertain significance. Review status: criteria provided, multiple submitters, no conflicts (2 of 4 stars). 2 submissions from 2 submitters: Uncertain significance (2). Last evaluated 2025-01-22.

Conditions:
Norman-Roberts syndrome (LIS2). Also called: Lissencephaly 2 (Norman-Roberts type). Identifiers: Orphanet 89844, MedGen C0796089, MONDO:0009760, OMIM 257320.
Familial temporal lobe epilepsy 7. Identifiers: Orphanet 101046, MedGen C4225327, MONDO:0014639, OMIM 616436.

Allele frequency attached by ClinVar (database versions not stated): gnomAD exomes below 0.00001; TOPMed below 0.00001.
gnomAD v4.1: 1 of 1,613,894 alleles (0.000062%); highest among the groups gnomAD compares: Admixed American, 0.0017%; no homozygotes.

Submissions (2):

Labcorp Genetics (formerly Invitae), Labcorp
Classification: Uncertain significance for Familial temporal lobe epilepsy 7; Norman-Roberts syndrome. Last evaluated: 2025-01-22. Review status: criteria provided, single submitter. Criteria: Invitae Variant Classification Sherloc (09022015). Collection method: clinical testing. Allele origin: germline.
Comment: This sequence change replaces lysine, which is basic and polar, with threonine, which is neutral and polar, at codon 949 of the RELN protein (p.Lys949Thr). This variant is not present in population databases (gnomAD no frequency). This variant has not been reported in the literature in individuals affected with RELN-related conditions. ClinVar contains an entry for this variant (Variation ID: 1317134). Invitae Evidence Modeling of protein sequence and biophysical properties (such as structural, functional, and spatial information, amino acid conservation, physicochemical variation, residue mobility, and thermodynamic stability) indicates that this missense variant is not expected to disrupt RELN protein function with a negative predictive value of 80%. In summary, the available evidence is currently insufficient to determine the role of this variant in disease. Therefore, it has been classified as a Variant of Uncertain Significance.

GeneDx
Classification: Uncertain significance. Last evaluated: 2019-03-29. Review status: criteria provided, single submitter. Criteria: GeneDx Variant Classification Process June 2021. Collection method: clinical testing. Allele origin: germline. Affected: yes.
Comment: Not observed in large population cohorts (Lek et al., 2016); In silico analysis, which includes protein predictors and evolutionary conservation, supports that this variant does not alter protein structure/function; Has not been previously published as pathogenic or benign to our knowledge